The following is an entry in ClinVar:

NM_001080517.3(SETD5):c.230G>T (p.Arg77Leu)

Gene: SETD5 (SET domain containing 5; plus strand). Cytogenetic location: 3p25.3.
Variant type: single nucleotide variant.
Coding change: c.230G>T on transcript NM_001080517.3 (MANE Select); coding-DNA position 230, G replaced by T.
Protein change: p.Arg77Leu; replaces arginine 77 with leucine.
Molecular consequence: missense variant. On other transcripts: 5 prime UTR variant (2).
Genome position (GRCh38, 1-based): chr3:9,434,386, G>T. VCF-style: chr3-9434386-G-T. GRCh37 (hg19) VCF-style: chr3-9476070-G-T.
Other names: c.-104G>T (NM_001292043.2); c.-145G>T (NM_001349451.2); c.287G>T, p.Arg96Leu (NM_001437633.1, NM_001437635.1); c.230G>T, p.Arg77Leu (NM_001437643.1, NM_001437701.1); short protein forms R96L, R77L.
Identifiers: ClinVar variation 4742099 (VCV004742099.1).

ClinVar aggregate classification (germline): Uncertain significance (1 of 4 stars; one submission).

Submission:

Labcorp Genetics (formerly Invitae), Labcorp
Classification: Uncertain significance. Last evaluated: 2025-04-23. Review status: criteria provided, single submitter. Criteria: Invitae Variant Classification Sherloc (09022015). Collection method: clinical testing. Allele origin: germline.
Comment: This sequence change replaces arginine, which is basic and polar, with leucine, which is neutral and non-polar, at codon 77 of the SETD5 protein (p.Arg77Leu). This variant is not present in population databases (gnomAD no frequency). This variant has not been reported in the literature in individuals affected with SETD5-related conditions. Invitae Evidence Modeling of protein sequence and biophysical properties (such as structural, functional, and spatial information, amino acid conservation, physicochemical variation, residue mobility, and thermodynamic stability) indicates that this missense variant is not expected to disrupt SETD5 protein function with a negative predictive value of 80%. In summary, the available evidence is currently insufficient to determine the role of this variant in disease. Therefore, it has been classified as a Variant of Uncertain Significance.